The following is an entry in ClinVar:

NM_198512.3(DGAT2L6):c.978T>C (p.Tyr326=)

Gene: DGAT2L6 (diacylglycerol O-acyltransferase 2 like 6; plus strand). Cytogenetic location: Xq13.1.
Variant type: single nucleotide variant.
Coding change: c.978T>C on transcript NM_198512.3 (MANE Select); coding-DNA position 978, T replaced by C.
Protein change: p.Tyr326=; no amino-acid change (tyrosine 326 retained).
Molecular consequence: synonymous variant.
Genome position (GRCh38, 1-based): chrX:70,205,070, T>C. VCF-style: chrX-70205070-T-C. GRCh37 (hg19) VCF-style: chrX-69424920-T-C.
Identifiers: ClinVar variation 3043936 (VCV003043936.2), dbSNP rs748053491, ClinGen allele CA10439807.
Genomic context (GRCh38, chrX:70,205,070, plus strand): 5'-GTATCACGCACTCTACATCAGTGCCCTGCGCAAGCTCTTTGACCAACACAAAGTTGAATA[T>C]GGCCTCCCTGAGACCCAAGAGCTGACAATTACATAACAGGAGCCACATTCCCCATTGATC-3'
Protein context (NP_940914.1, residues 316-336): RKLFDQHKVE[Tyr326=]GLPETQELTI

ClinVar aggregate classification (germline): Likely benign (0 of 4 stars; one submission).

Conditions:
DGAT2L6-related disorder. Also called: DGAT2L6-related condition.

Allele frequency attached by ClinVar (database versions not stated): ExAC 0.00005; gnomAD 0.00002; gnomAD exomes 0.00002; TOPMed 0.00003.
gnomAD v4.1: 27 of 1,200,925 alleles (0.0022%); highest among the groups gnomAD compares: Admixed American, 0.0045%; no homozygotes.

Submission:

PreventionGenetics, part of Exact Sciences
Classification: Likely benign for DGAT2L6-related condition. Last evaluated: 2019-06-06. Review status: no assertion criteria provided. Collection method: clinical testing. Allele origin: germline.
Comment: This variant is classified as likely benign based on ACMG/AMP sequence variant interpretation guidelines (Richards et al. 2015 PMID: 25741868, with internal and published modifications).